The following is an entry in ClinVar:

NM_001271.4(CHD2):c.5251A>G (p.Met1751Val)

Gene: CHD2 (chromodomain helicase DNA binding protein 2; plus strand). Cytogenetic location: 15q26.1.
Variant type: single nucleotide variant.
Coding change: c.5251A>G on transcript NM_001271.4 (MANE Select); coding-DNA position 5251, A replaced by G.
Protein change: p.Met1751Val; replaces methionine 1751 with valine.
Molecular consequence: missense variant.
Genome position (GRCh38, 1-based): chr15:93,024,469, A>G. VCF-style: chr15-93024469-A-G. GRCh37 (hg19) VCF-style: chr15-93567699-A-G.
Other names: short protein forms M1751V.
Identifiers: ClinVar variation 2955027 (VCV002955027.3), dbSNP rs948312935, ClinGen allele CA274889604.
Genomic context (GRCh38, chr15:93,024,469, plus strand): 5'-TTTAGGCCTCAAAATTACCACCAGCAGGATTTCCGACGAATGTCTGATCACCGCCCCGCT[A>G]TGGGCTACCATGGCCAGGGACCCTCAGACCATTACCGCTCTTTCCACACAGATAAACTGG-3'
Protein context (NP_001262.3, residues 1741-1761): FRRMSDHRPA[Met1751Val]GYHGQGPSDH

ClinVar aggregate classification (germline): Uncertain significance (1 of 4 stars; one submission).

Conditions:
Developmental and epileptic encephalopathy 94 (DEE94). Also called: Epileptic encephalopathy, childhood-onset; CHD2-Related Neurodevelopmental Disorders. Identifiers: Orphanet 1942, Orphanet 2382, MedGen C3809278, MONDO:0014150, OMIM 615369.

Allele frequency attached by ClinVar (database versions not stated): gnomAD exomes 0.00001; TOPMed 0.00002.

Submission:

Labcorp Genetics (formerly Invitae), Labcorp
Classification: Uncertain significance for Developmental and epileptic encephalopathy 94. Last evaluated: 2023-07-12. Review status: criteria provided, single submitter. Criteria: Invitae Variant Classification Sherloc (09022015). Collection method: clinical testing. Allele origin: germline.
Comment: In summary, the available evidence is currently insufficient to determine the role of this variant in disease. Therefore, it has been classified as a Variant of Uncertain Significance. This sequence change replaces methionine, which is neutral and non-polar, with valine, which is neutral and non-polar, at codon 1751 of the CHD2 protein (p.Met1751Val). This variant is not present in population databases (gnomAD no frequency). This variant has not been reported in the literature in individuals affected with CHD2-related conditions. Advanced modeling of protein sequence and biophysical properties (such as structural, functional, and spatial information, amino acid conservation, physicochemical variation, residue mobility, and thermodynamic stability) performed at Invitae indicates that this missense variant is not expected to disrupt CHD2 protein function.